The following is an entry in ClinVar:

NM_001369.3(DNAH5):c.307del (p.Val104fs)

Gene: DNAH5 (dynein axonemal heavy chain 5; minus strand). Cytogenetic location: 5p15.2.
Variant type: Deletion.
Coding change: c.307del on transcript NM_001369.3 (MANE Select); coding-DNA position 307, one base deleted (C; older notation c.307delC).
Protein change: p.Val104fs; shifts the reading frame from valine 104.
Molecular consequence: frameshift variant.
Genome position (GRCh38, 1-based): chr5:13,923,411, G deleted on the plus strand (C on the coding strand, the reverse complement: DNAH5 is on the minus strand). VCF-style (leftmost placement, unchanged base first): chr5-13923410-AG-A. GRCh37 (hg19) VCF-style: chr5-13923519-AG-A.
Other names: short protein forms V104fs.
Identifiers: ClinVar variation 4814879 (VCV004814879.1).

ClinVar aggregate classification (germline): Likely pathogenic (1 of 4 stars; one submission).

Conditions:
Primary ciliary dyskinesia. Also called: Ciliary dyskinesia. Identifiers: Orphanet 244, MedGen C0008780, MONDO:0016575, HP:0012265.

Submission:

Natera, Inc.
Classification: Likely pathogenic for Primary ciliary dyskinesia. Last evaluated: 2024-09-18. Review status: criteria provided, single submitter. Criteria: Natera Variant Classification Schema (03/2026). Collection method: clinical testing. Allele origin: germline.
Comment: The c.307del variant in DNAH5 is a frameshift variant predicted to shift the reading frame beginning at codon 104 and leads to a stop codon 12 codons downstream. This variant is expected to result in nonsense mediated decay, truncation, or a dysfunctional protein product. This variant is rare in the general population with a frequency below the threshold expected for the associated phenotype(s). Given the available evidence, this variant is classified as Likely Pathogenic.